The following is an entry in ClinVar:

NM_013275.6(ANKRD11):c.76A>C (p.Thr26Pro)

Gene: ANKRD11 (ankyrin repeat domain 11; minus strand). Cytogenetic location: 16q24.3.
Variant type: single nucleotide variant.
Coding change: c.76A>C on transcript NM_013275.6 (MANE Select); coding-DNA position 76, A replaced by C.
Protein change: p.Thr26Pro; replaces threonine 26 with proline.
Molecular consequence: missense variant. On other transcripts: non-coding transcript variant (1).
Genome position (GRCh38, 1-based): chr16:89,316,944, T>G on the plus strand (A>C on the coding strand, the complement: ANKRD11 is on the minus strand). VCF-style: chr16-89316944-T-G. GRCh37 (hg19) VCF-style: chr16-89383352-T-G.
Other names: c.76A>C, p.Thr26Pro (NM_001256182.2, NM_001256183.2); short protein forms T26P.
Identifiers: ClinVar variation 2116261 (VCV002116261.4), dbSNP rs1597606727, ClinGen allele CA397166586.
Genomic context (GRCh38, chr16:89,316,944, plus strand): 5'-CCCCATCTGGGTGCGGTGAGCATGCAGGGCTGGGAGGGGGCAGCATTACCTTTTTCCCAG[T>G]CTGCTTCTCCACCATGTCGCTGCTGAGGGGAAGCTCTTCCTGCTGTGGTGCTTTAGGGCA-3'
Protein context (NP_037407.4, residues 16-36): PLSSDMVEKQ[Thr26Pro]GKKDKDKVSL

ClinVar aggregate classification (germline): Uncertain significance (1 of 4 stars; one submission).

Conditions:
KBG syndrome (KBGS). Also called: ANKRD11-Related KBG Syndrome. Identifiers: Orphanet 2332, MedGen C0220687, MONDO:0007846, OMIM 148050.

Submission:

Labcorp Genetics (formerly Invitae), Labcorp
Classification: Uncertain significance for KBG syndrome. Last evaluated: 2024-07-22. Review status: criteria provided, single submitter. Criteria: Invitae Variant Classification Sherloc (09022015). Collection method: clinical testing. Allele origin: germline.
Comment: This sequence change replaces threonine, which is neutral and polar, with proline, which is neutral and non-polar, at codon 26 of the ANKRD11 protein (p.Thr26Pro). This variant is not present in population databases (gnomAD no frequency). This variant has not been reported in the literature in individuals affected with ANKRD11-related conditions. ClinVar contains an entry for this variant (Variation ID: 2116261). Advanced modeling of protein sequence and biophysical properties (such as structural, functional, and spatial information, amino acid conservation, physicochemical variation, residue mobility, and thermodynamic stability) performed at Invitae indicates that this missense variant is not expected to disrupt ANKRD11 protein function with a negative predictive value of 95%. In summary, the available evidence is currently insufficient to determine the role of this variant in disease. Therefore, it has been classified as a Variant of Uncertain Significance.